The following is an entry in ClinVar:

NM_001128225.3(SLC39A13):c.301+15G>A

Gene: SLC39A13 (solute carrier family 39 member 13; plus strand). Cytogenetic location: 11p11.2.
Variant type: single nucleotide variant.
Coding change: c.301+15G>A on transcript NM_001128225.3 (MANE Select); 15 bases into the intron after coding-DNA position 301, G replaced by A.
Molecular consequence: intron variant.
Genome position (GRCh38, 1-based): chr11:47,410,410, G>A. VCF-style: chr11-47410410-G-A. GRCh37 (hg19) VCF-style: chr11-47431961-G-A.
Other names: c.301+15G>A (NM_152264.5, NM_001330245.2).
Identifiers: ClinVar variation 384715 (VCV000384715.12), dbSNP rs61000762, ClinGen allele CA5975708.
Genomic context (GRCh38, chr11:47,410,410, plus strand): 5'-TTGCTTGTCATTCCCCTAGAGATGGGGACCATGCTGCGCTCAGAAGGTAGGTGACTCTCC[G>A]GTGGCGCCCAGGGCTGGCCAGGGTGTGGGAAGCATGCTGCTGCTCTTCTTAGGAGACCCC-3'

ClinVar aggregate classification (germline): Benign. Review status: criteria provided, multiple submitters, no conflicts (2 of 4 stars). 5 submissions from 5 submitters: Benign (5). Last evaluated 2026-02-04.

Conditions:
Ehlers-Danlos syndrome, spondylodysplastic type, 3. Also called: Ehlers-Danlos syndrome, spondylocheirodysplastic type. Identifiers: Orphanet 157965, MedGen C2676510, MONDO:0012873, OMIM 612350.

Allele frequency attached by ClinVar (database versions not stated): gnomAD exomes 0.16084 and 0.19750; ESP Exome Variant Server 0.18018; ExAC 0.18893; gnomAD 0.20155 and 0.20201; TOPMed 0.20207; 1000 Genomes Project 0.22244; 1000 Genomes Project 30x 0.22408.
gnomAD v4.1: 265,180 of 1,613,258 alleles (16%); highest among the groups gnomAD compares: East Asian, 36%; 25,150 homozygotes.

Submissions (5):

Labcorp Genetics (formerly Invitae), Labcorp
Classification: Benign for Ehlers-Danlos syndrome, spondylodysplastic type, 3. Last evaluated: 2026-02-04. Review status: criteria provided, single submitter. Criteria: Invitae Variant Classification Sherloc (09022015). Collection method: clinical testing. Allele origin: germline.

Women's Health and Genetics/Laboratory Corporation of America, LabCorp
Classification: Benign. Last evaluated: 2026-01-21. Review status: criteria provided, single submitter. Criteria: LabCorp Variant Classification Summary - May 2015. Collection method: clinical testing. Allele origin: germline.

Blueprint Genetics
Classification: Benign. Last evaluated: 2024-11-27. Review status: criteria provided, single submitter. Criteria: ACMG Guidelines, 2015. Collection method: clinical testing. Allele origin: germline.

GeneDx
Classification: Benign. Last evaluated: 2016-10-03. Review status: criteria provided, single submitter. Criteria: GeneDx Variant Classification (06012015). Collection method: clinical testing. Allele origin: germline. Affected: yes.
Comment: This variant is considered likely benign or benign based on one or more of the following criteria: it is a conservative change, it occurs at a poorly conserved position in the protein, it is predicted to be benign by multiple in silico algorithms, and/or has population frequency not consistent with disease.

Breakthrough Genomics
Classification: Benign. Review status: criteria provided, single submitter. Criteria: ACMG Guidelines, 2015. Collection method: not provided. Allele origin: germline. Inheritance: Autosomal recessive inheritance. Affected: yes.